The following is an entry in ClinVar:

NM_000238.4(KCNH2):c.1576A>G (p.Thr526Ala)

Gene: KCNH2 (potassium voltage-gated channel subfamily H member 2; minus strand). Cytogenetic location: 7q36.1.
Variant type: single nucleotide variant.
Coding change: c.1576A>G on transcript NM_000238.4 (MANE Select); coding-DNA position 1576, A replaced by G.
Protein change: p.Thr526Ala; replaces threonine 526 with alanine.
Molecular consequence: missense variant.
Genome position (GRCh38, 1-based): chr7:150,951,817, T>C on the plus strand (A>G on the coding strand, the complement: KCNH2 is on the minus strand). VCF-style: chr7-150951817-T-C. GRCh37 (hg19) VCF-style: chr7-150648905-T-C.
Other names: c.556A>G, p.Thr186Ala (NM_001204798.2, NM_172057.3); c.1288A>G, p.Thr430Ala (NM_001406753.1, NM_001406756.1); c.1399A>G, p.Thr467Ala (NM_001406755.1); c.1276A>G, p.Thr426Ala (NM_001406757.1); c.1576A>G, p.Thr526Ala (NM_172056.3); short protein forms T186A, T526A, T426A, T430A, T467A.
Identifiers: ClinVar variation 1038284 (VCV001038284.7), dbSNP rs1801183927, ClinGen allele CA369859234.
Genomic context (GRCh38, chr7:150,951,817, plus strand): 5'-CGTACTCTGAGTAGCGATCCAGCTTCCGCGCCACGCGCACCAGCCGCAGCAGCCGCGCAG[T>C]CTTCAGCAGCCCGATCAGCTGGGGGACAGGGAAGGGGCACATTCCGTTGATGGGGCAAGG-3'
Protein context (NP_000229.1, residues 516-536): GSEELIGLLK[Thr526Ala]ARLLRLVRVA

ClinVar aggregate classification (germline): Uncertain significance (1 of 4 stars; one submission).

Conditions:
Long QT syndrome (LQTS). Identifiers: MedGen C0023976, MeSH D008133, MONDO:0002442. Disease mechanism: loss of function. Inheritance: Various modes of inheritance.

Submission:

Labcorp Genetics (formerly Invitae), Labcorp
Classification: Uncertain significance for Long QT syndrome. Last evaluated: 2020-10-15. Review status: criteria provided, single submitter. Criteria: Invitae Variant Classification Sherloc (09022015). Collection method: clinical testing. Allele origin: germline.
Comment: In summary, the available evidence is currently insufficient to determine the role of this variant in disease. Therefore, it has been classified as a Variant of Uncertain Significance. Algorithms developed to predict the effect of missense changes on protein structure and function are either unavailable or do not agree on the potential impact of this missense change (SIFT: "Deleterious"; PolyPhen-2: "Probably Damaging"; Align-GVGD: "Class C0"). This variant has not been reported in the literature in individuals with KCNH2-related conditions. This variant is not present in population databases (ExAC no frequency). This sequence change replaces threonine with alanine at codon 526 of the KCNH2 protein (p.Thr526Ala). The threonine residue is highly conserved and there is a small physicochemical difference between threonine and alanine.